The following is an entry in ClinVar:

ClinVar aggregate classification (germline): Uncertain significance (1 of 4 stars; one submission).

Conditions:
Cardiovascular phenotype. Identifiers: MedGen CN230736.

Submission:

Ambry Genetics
Classification: Uncertain significance for Cardiovascular phenotype. Last evaluated: 2020-12-04. Review status: criteria provided, single submitter. Criteria: Ambry Variant Classification Scheme 2023. Collection method: clinical testing. Allele origin: germline.
Comment: The c.-3C>A variant is located in the 5' untranslated region (5&rsquo; UTR) of the PKP2 gene. This variant results from a C to A substitution 3 bases upstream from the first translated codon. This nucleotide position is not well conserved in available vertebrate species. Since supporting evidence is limited at this time, the clinical significance of this alteration remains unclear.

NM_001005242.3(PKP2):c.-3C>A

Gene: PKP2 (plakophilin 2; minus strand). Cytogenetic location: 12p11.21.
Variant type: single nucleotide variant.
Coding change: c.-3C>A on transcript NM_001005242.3 (MANE Select); 3 bases upstream of the start codon, C replaced by A.
Molecular consequence: 5 prime UTR variant.
Genome position (GRCh38, 1-based): chr12:32,896,734, G>T on the plus strand (C>A on the coding strand, the complement: PKP2 is on the minus strand). VCF-style: chr12-32896734-G-T. GRCh37 (hg19) VCF-style: chr12-33049668-G-T.
Other names: c.-3C>A (NM_001407155.1, NM_001407156.1, NM_001407157.1 and 2 more transcripts); c.-829C>A (NM_001407158.1, NM_001407162.1); c.-593C>A (NM_001407159.1, NM_001407160.1).
Identifiers: ClinVar variation 1736894 (VCV001736894.2), dbSNP rs2541385347, ClinGen allele CA2580085408.